The following is an entry in ClinVar:

ClinVar aggregate classification (germline): Pathogenic (1 of 4 stars; one submission).

Conditions:
Mowat-Wilson syndrome (MOWS). Also called: Classic Mowat-Wilson Syndrome. Identifiers: Orphanet 2152, MedGen C1856113, MONDO:0009341, OMIM 235730.

Submission:

Labcorp Genetics (formerly Invitae), Labcorp
Classification: Pathogenic for Mowat-Wilson syndrome. Last evaluated: 2024-10-23. Review status: criteria provided, single submitter. Criteria: Invitae Variant Classification Sherloc (09022015). Collection method: clinical testing. Allele origin: germline.
Comment: This sequence change creates a premature translational stop signal (p.Thr452Profs*2) in the ZEB2 gene. It is expected to result in an absent or disrupted protein product. Loss-of-function variants in ZEB2 are known to be pathogenic (PMID: 16053902). This variant is not present in population databases (gnomAD no frequency). This variant has not been reported in the literature in individuals affected with ZEB2-related conditions. For these reasons, this variant has been classified as Pathogenic.

Literature cited by the submitters: PubMed 16053902.

NM_014795.4(ZEB2):c.1342del (p.Thr452fs)

Gene: ZEB2 (zinc finger E-box binding homeobox 2; minus strand). Cytogenetic location: 2q22.3.
Variant type: Deletion.
Coding change: c.1342del on transcript NM_014795.4 (MANE Select); coding-DNA position 1342, one base deleted (C; older notation c.1342delC).
Protein change: p.Thr452fs; shifts the reading frame from threonine 452.
Molecular consequence: frameshift variant.
Genome position (GRCh38, 1-based): chr2:144,399,845, G deleted on the plus strand (C on the coding strand, the reverse complement: ZEB2 is on the minus strand). VCF-style (leftmost placement, unchanged base first): chr2-144399844-AG-A. GRCh37 (hg19) VCF-style: chr2-145157411-AG-A.
Other names: c.1270del, p.Thr428fs (NM_001171653.2); short protein forms T452fs, T428fs.
Identifiers: ClinVar variation 2770851 (VCV002770851.3), dbSNP rs2549106917, ClinGen allele CA2697551033.